The following is an entry in ClinVar:

ClinVar aggregate classification (germline): Pathogenic (1 of 4 stars; one submission).

Submission:

GeneDx
Classification: Pathogenic. Last evaluated: 2020-03-18. Review status: criteria provided, single submitter. Criteria: GeneDx Variant Classification Process June 2021. Collection method: clinical testing. Allele origin: germline. Affected: yes.
Comment: Frameshift variant predicted to result in protein truncation or nonsense mediated decay in a gene for which loss-of-function is a known mechanism of disease; Not observed in large population cohorts (Lek et al., 2016); Has not been previously published as pathogenic or benign to our knowledge

NM_005120.3(MED12):c.5135_5138dup (p.Val1714fs)

Gene: MED12 (mediator complex subunit 12; plus strand). Cytogenetic location: Xq13.1.
Variant type: Duplication.
Coding change: c.5135_5138dup on transcript NM_005120.3 (MANE Select); coding-DNA positions 5135 to 5138, 4 bases duplicated (GGCG; older notation c.5135_5138dupGGCG).
Protein change: p.Val1714fs; shifts the reading frame from valine 1714.
Molecular consequence: frameshift variant.
Genome position (GRCh38, 1-based): chrX:71,136,390-71,136,393, GGCG duplicated. VCF-style (leftmost placement, unchanged base first): chrX-71136389-C-CGGCG. GRCh37 (hg19) VCF-style: chrX-70356239-C-CGGCG.
Other names: c.5135_5138dupGGCG (NM_005120.2); short protein forms V1714fs.
Identifiers: ClinVar variation 503941 (VCV000503941.3), dbSNP rs1556338764, ClinGen allele CA658799792.